The following is an entry in ClinVar:

NM_018706.7(DHTKD1):c.728G>A (p.Arg243His)

Gene: DHTKD1 (dehydrogenase E1 and transketolase domain containing 1; plus strand). Cytogenetic location: 10p14.
Variant type: single nucleotide variant.
Coding change: c.728G>A on transcript NM_018706.7 (MANE Select); coding-DNA position 728, G replaced by A.
Protein change: p.Arg243His; replaces arginine 243 with histidine.
Molecular consequence: missense variant.
Genome position (GRCh38, 1-based): chr10:12,088,996, G>A. VCF-style: chr10-12088996-G-A. GRCh37 (hg19) VCF-style: chr10-12130995-G-A.
Other names: c.728G>A (NM_018706.5); short protein forms R243H.
Identifiers: ClinVar variation 2147501 (VCV002147501.5), dbSNP rs781779430, ClinGen allele CA5407638.
Genomic context (GRCh38, chr10:12,088,996, plus strand): 5'-CTCCATTGTGATGAATGCCATTTTTTTCCTTTTGAATGTATCCACAATAGCTGATGTTCC[G>A]TAAAATGCGAGGCTTAAGTGAATTTCCAGAGAATTTCTCAGCCACTGGAGACGTCCTGTC-3'
Protein context (NP_061176.4, residues 233-253): LLQFPPELMF[Arg243His]KMRGLSEFPE

ClinVar aggregate classification (germline): Uncertain significance. Review status: criteria provided, multiple submitters, no conflicts (2 of 4 stars). 2 submissions from 2 submitters: Uncertain significance (2). Last evaluated 2025-08-21.

Conditions:
Inborn genetic diseases. Identifiers: MedGen C0950123, MeSH D030342.
2-aminoadipic 2-oxoadipic aciduria (AAKAD). Also called: ALPHA-AMINOADIPIC AND ALPHA-KETOADIPIC ACIDURIA; Aminoadipic aciduria. Identifiers: Orphanet 79154, MedGen C1859817, MONDO:0008774, OMIM 204750.

Allele frequency attached by ClinVar (database versions not stated): gnomAD 0.00003; TOPMed 0.00004.
gnomAD v4.1: 44 of 1,613,178 alleles (0.0027%); highest among the groups gnomAD compares: East Asian, 0.0045%; no homozygotes.

Submissions (2):

Ambry Genetics
Classification: Uncertain significance for Inborn genetic diseases. Last evaluated: 2025-08-21. Review status: criteria provided, single submitter. Criteria: Ambry Variant Classification Scheme 2023. Collection method: clinical testing. Allele origin: germline.

Labcorp Genetics (formerly Invitae), Labcorp
Classification: Uncertain significance for 2-aminoadipic 2-oxoadipic aciduria. Last evaluated: 2024-08-31. Review status: criteria provided, single submitter. Criteria: Invitae Variant Classification Sherloc (09022015). Collection method: clinical testing. Allele origin: germline.
Comment: This sequence change replaces arginine, which is basic and polar, with histidine, which is basic and polar, at codon 243 of the DHTKD1 protein (p.Arg243His). This variant is present in population databases (rs781779430, gnomAD 0.01%). This variant has not been reported in the literature in individuals affected with DHTKD1-related conditions. ClinVar contains an entry for this variant (Variation ID: 2147501). An algorithm developed to predict the effect of missense changes on protein structure and function (PolyPhen-2) suggests that this variant is likely to be tolerated. In summary, the available evidence is currently insufficient to determine the role of this variant in disease. Therefore, it has been classified as a Variant of Uncertain Significance.